The following is an entry in ClinVar:

ClinVar aggregate classification (germline): Benign/Likely benign. Review status: criteria provided, multiple submitters, no conflicts (2 of 4 stars). 6 submissions from 6 submitters: Benign (1); Likely benign (4). 1 of the submissions does not count toward it. Last evaluated 2026-01-04.

Conditions:
MSH6-related disorder. Also called: MSH6-related condition; MSH6-Related disorders.
Hereditary nonpolyposis colorectal neoplasms. Identifiers: MedGen C0009405, MeSH D003123.
Hereditary cancer-predisposing syndrome. Also called: Hereditary Cancer Syndrome; Hereditary neoplastic syndrome; Neoplastic Syndromes, Hereditary; Tumor predisposition. Identifiers: Orphanet 140162, MedGen C0027672, MeSH D009386, MONDO:0015356.
Lynch syndrome. Identifiers: Orphanet 144, MedGen C4552100, MONDO:0005835. Disease mechanism: loss of function.
Lynch syndrome 5 (LYNCH5). Also called: Hereditary non-polyposis colorectal cancer, type 5; Colorectal cancer, hereditary nonpolyposis, type 5. Identifiers: Orphanet 144, MedGen C1833477, MONDO:0013710, OMIM 614350. Disease mechanism: loss of function.

Allele frequency attached by ClinVar (database versions not stated): TOPMed below 0.00001; gnomAD 0.00001; gnomAD exomes 0.00002.
gnomAD v4.1: 32 of 1,611,806 alleles (0.002%); highest among the groups gnomAD compares: Non-Finnish European, 0.0025%; no homozygotes.

Submissions (6):

Labcorp Genetics (formerly Invitae), Labcorp
Classification: Likely benign for Hereditary nonpolyposis colorectal neoplasms. Last evaluated: 2026-01-04. Review status: criteria provided, single submitter. Criteria: Invitae Variant Classification Sherloc (09022015). Collection method: clinical testing. Allele origin: germline.

Myriad Genetics, Inc.
Classification: Benign for Lynch syndrome 5. Last evaluated: 2024-12-16. Review status: criteria provided, single submitter. Criteria: Myriad Autosomal Dominant, Autosomal Recessive and X-Linked Classification Criteria (2023). Collection method: clinical testing. Allele origin: unknown.
Comment: This variant is considered benign. This variant is a silent/synonymous amino acid change and it is not expected to impact splicing.

All of Us Research Program, National Institutes of Health
Classification: Likely benign for Lynch syndrome. Last evaluated: 2023-04-28. Review status: criteria provided, single submitter. Criteria: ACMG Guidelines, 2015. Collection method: clinical testing. Allele origin: germline. Inheritance: Autosomal dominant inheritance. Observed: 1 variant allele, 1 heterozygote.
Comment: This study involves interpretation of variants in research participants for the purpose of population health screening. Participant phenotype was not available at the time of variant classification. Additional details can be found in publication PMID: 35346344, PMCID: PMC8962531

Color Diagnostics, LLC DBA Color Health
Classification: Likely benign for Hereditary cancer-predisposing syndrome. Last evaluated: 2019-05-07. Review status: criteria provided, single submitter. Criteria: ACMG Guidelines, 2015. Collection method: clinical testing. Allele origin: germline.

Ambry Genetics
Classification: Likely benign for Hereditary cancer-predisposing syndrome. Last evaluated: 2015-10-02. Review status: criteria provided, single submitter. Criteria: Ambry Variant Classification Scheme 2023. Collection method: clinical testing. Allele origin: germline.

PreventionGenetics, part of Exact Sciences
Classification: Likely benign for MSH6-related condition. Last evaluated: 2024-06-10. Review status: no assertion criteria provided. Collection method: clinical testing. Allele origin: germline. Not counted in ClinVar's aggregate classification.
Comment: This variant is classified as likely benign based on ACMG/AMP sequence variant interpretation guidelines (Richards et al. 2015 PMID: 25741868, with internal and published modifications).

NM_000179.3(MSH6):c.18C>T (p.Thr6=)

Gene: MSH6 (mutS homolog 6; plus strand). Cytogenetic location: 2p16.3.
Variant type: single nucleotide variant.
Coding change: c.18C>T on transcript NM_000179.3 (MANE Select); coding-DNA position 18, C replaced by T.
Protein change: p.Thr6=; no amino-acid change (threonine 6 retained).
Molecular consequence: synonymous variant. On other transcripts: 5 prime UTR variant (1).
Genome position (GRCh38, 1-based): chr2:47,783,251, C>T. VCF-style: chr2-47783251-C-T. GRCh37 (hg19) VCF-style: chr2-48010390-C-T.
Other names: c.18C>T, p.Thr6= (NM_001281492.2); c.-719C>T (NM_001281493.2).
Identifiers: ClinVar variation 455159 (VCV000455159.16), dbSNP rs909257611, ClinGen allele CA46687495.